The following is an entry in ClinVar:

ClinVar aggregate classification (germline): Uncertain significance. Review status: criteria provided, multiple submitters, no conflicts (2 of 4 stars). 6 submissions from 6 submitters: Uncertain significance (6). Last evaluated 2026-06-20.

Conditions:
DSP-related disorder. Also called: DSP-related disorders; DSP-related condition.
Cardiovascular phenotype. Identifiers: MedGen CN230736.
Arrhythmogenic right ventricular dysplasia 8 (ARVD8). Also called: Arrhythmogenic Right Ventricular Dysplasia/Cardiomyopathy 8; ARRHYTHMOGENIC RIGHT VENTRICULAR DYSPLASIA, FAMILIAL, 8; ARRHYTHMOGENIC RIGHT VENTRICULAR CARDIOMYOPATHY 8. Identifiers: MedGen C1843896, MONDO:0011831, OMIM 607450.
Arrhythmogenic cardiomyopathy with wooly hair and keratoderma. Also called: Arrhythmogenic cardiomyopathy with woolly hair and keratoderma; PALMOPLANTAR KERATODERMA WITH LEFT VENTRICULAR CARDIOMYOPATHY AND WOOLLY HAIR; Carvajal syndrome; Dilated cardiomyopathy with woolly hair and keratoderma. Identifiers: Orphanet 65282, MedGen C1854063, MONDO:0011581, OMIM 605676.
Cardiomyopathy (CMYO). Also called: Cardiomyopathies. Identifiers: Orphanet 167848, MedGen C0878544, MONDO:0004994, HP:0001638. Inheritance: Various modes of inheritance.

Allele frequency attached by ClinVar (database versions not stated): gnomAD exomes below 0.00001; ExAC 0.00001; gnomAD 0.00001; TOPMed 0.00001.

Submissions (6):

PreventionGenetics, part of Exact Sciences
Classification: Uncertain significance for DSP-related condition. Last evaluated: 2026-06-20. Review status: criteria provided, single submitter. Criteria: ACMG Guidelines, 2015. Collection method: clinical testing. Allele origin: germline.
Comment: The DSP c.364G>A variant is predicted to result in the amino acid substitution p.Asp122Asn. To our knowledge, this variant has not been reported in the literature. This variant is reported in 0.00088% of alleles in individuals of European (Non-Finnish) descent in gnomAD. At this time, the clinical significance of this variant is uncertain due to the absence of conclusive functional and genetic evidence.

Women's Health and Genetics/Laboratory Corporation of America, LabCorp
Classification: Uncertain significance. Last evaluated: 2025-12-05. Review status: criteria provided, single submitter. Criteria: LabCorp Variant Classification Summary - May 2015. Collection method: clinical testing. Allele origin: germline.

Labcorp Genetics (formerly Invitae), Labcorp
Classification: Uncertain significance for Arrhythmogenic cardiomyopathy with wooly hair and keratoderma; Arrhythmogenic right ventricular dysplasia 8. Last evaluated: 2025-10-23. Review status: criteria provided, single submitter. Criteria: Invitae Variant Classification Sherloc (09022015). Collection method: clinical testing. Allele origin: germline.
Comment: This sequence change replaces aspartic acid, which is acidic and polar, with asparagine, which is neutral and polar, at codon 122 of the DSP protein (p.Asp122Asn). This variant is present in population databases (rs756013600, gnomAD 0.0009%). This variant has not been reported in the literature in individuals affected with DSP-related conditions. ClinVar contains an entry for this variant (Variation ID: 465893). An algorithm developed to predict the effect of missense changes on protein structure and function (PolyPhen-2) suggests that this variant is likely to be tolerated. In summary, the available evidence is currently insufficient to determine the role of this variant in disease. Therefore, it has been classified as a Variant of Uncertain Significance.

All of Us Research Program, National Institutes of Health
Classification: Uncertain significance for Arrhythmogenic cardiomyopathy with wooly hair and keratoderma. Last evaluated: 2024-06-17. Review status: criteria provided, single submitter. Criteria: ACMG Guidelines, 2015. Collection method: clinical testing. Allele origin: germline. Inheritance: Autosomal dominant inheritance. Observed: 8 variant alleles, 8 heterozygotes.
Comment: This missense variant replaces aspartic acid with asparagine at codon 122 of the DSP protein. Computational prediction suggests that this variant may not impact protein structure and function (internally defined REVEL score threshold <= 0.5, PMID: 27666373). To our knowledge, functional studies have not been reported for this variant. This variant has not been reported in individuals affected with cardiovascular disorders in the literature. This variant has been identified in 1/251422 chromosomes in the general population by the Genome Aggregation Database (gnomAD). The available evidence is insufficient to determine the role of this variant in disease conclusively. Therefore, this variant is classified as a Variant of Uncertain Significance.

This study involves interpretation of variants in research participants for the purpose of population health screening. Participant phenotype was not available at the time of variant classification. Additional details can be found in publication PMID: 35346344, PMCID: PMC8962531

Ambry Genetics
Classification: Uncertain significance for Cardiovascular phenotype. Last evaluated: 2024-05-21. Review status: criteria provided, single submitter. Criteria: Ambry Variant Classification Scheme 2023. Collection method: clinical testing. Allele origin: germline.
Comment: The p.D122N variant (also known as c.364G>A), located in coding exon 3 of the DSP gene, results from a G to A substitution at nucleotide position 364. The aspartic acid at codon 122 is replaced by asparagine, an amino acid with highly similar properties. This amino acid position is conserved. In addition, this alteration is predicted to be tolerated by in silico analysis. Since supporting evidence is limited at this time, the clinical significance of this alteration remains unclear.

Color Diagnostics, LLC DBA Color Health
Classification: Uncertain significance for Cardiomyopathy. Last evaluated: 2024-03-06. Review status: criteria provided, single submitter. Criteria: ACMG Guidelines, 2015. Collection method: clinical testing. Allele origin: germline.
Comment: This missense variant replaces aspartic acid with asparagine at codon 122 of the DSP protein. Computational prediction suggests that this variant may not impact protein structure and function (internally defined REVEL score threshold <= 0.5, PMID: 27666373). To our knowledge, functional studies have not been reported for this variant. This variant has not been reported in individuals affected with cardiovascular disorders in the literature. This variant has been identified in 1/251422 chromosomes in the general population by the Genome Aggregation Database (gnomAD). The available evidence is insufficient to determine the role of this variant in disease conclusively. Therefore, this variant is classified as a Variant of Uncertain Significance.

NM_004415.4(DSP):c.364G>A (p.Asp122Asn)

Gene: DSP (desmoplakin; plus strand). Cytogenetic location: 6p24.3.
Variant type: single nucleotide variant.
Coding change: c.364G>A on transcript NM_004415.4 (MANE Select); coding-DNA position 364, G replaced by A.
Protein change: p.Asp122Asn; replaces aspartic acid 122 with asparagine.
Molecular consequence: missense variant.
Genome position (GRCh38, 1-based): chr6:7,558,206, G>A. VCF-style: chr6-7558206-G-A. GRCh37 (hg19) VCF-style: chr6-7558439-G-A.
Other names: c.364G>A (LRG_423t1, NM_004415.3); c.364G>A, p.Asp122Asn (NM_001008844.3, NM_001319034.2); short protein forms D122N.
Identifiers: ClinVar variation 465893 (VCV000465893.18), dbSNP rs756013600, ClinGen allele CA038625.